The following is an entry in ClinVar:

ClinVar aggregate classification (germline): Pathogenic (1 of 4 stars; one submission).

Conditions:
Neuronal ceroid lipofuscinosis 7 (CLN7). Also called: MFSD8-Related Neuronal Ceroid-Lipofuscinosis. Identifiers: Orphanet 168491, Orphanet 228366, MedGen C1838571, MONDO:0012588, OMIM 610951.

Submission:

Labcorp Genetics (formerly Invitae), Labcorp
Classification: Pathogenic for Neuronal ceroid lipofuscinosis 7. Last evaluated: 2023-05-15. Review status: criteria provided, single submitter. Criteria: Invitae Variant Classification Sherloc (09022015). Collection method: clinical testing. Allele origin: germline.
Comment: For these reasons, this variant has been classified as Pathogenic. This variant has not been reported in the literature in individuals affected with MFSD8-related conditions. This variant is a gross deletion of the genomic region encompassing exon(s) 4 of the MFSD8 gene. This deletion is out-of-frame, and is expected to create a premature termination codon and result in an absent or disrupted protein product. Loss-of-function variants in MFSD8 are known to be pathogenic (PMID: 19177532, 25227500, 28586915).

Literature cited by the submitters: PubMed 19177532; PubMed 25227500; PubMed 28586915.

NC_000004.11:g.(?_128870939)_(128871022_?)del

Gene: MFSD8 (major facilitator superfamily domain containing 8; minus strand). Cytogenetic location: 4q28.2.
Variant type: Deletion.
Identifiers: ClinVar variation 2427408 (VCV002427408.4).